The following is an entry in ClinVar:

ClinVar aggregate classification (germline): Uncertain significance (1 of 4 stars; one submission).

Submission:

GeneDx
Classification: Uncertain significance. Last evaluated: 2024-09-23. Review status: criteria provided, single submitter. Criteria: GeneDx Variant Classification Process June 2021. Collection method: clinical testing. Allele origin: germline. Affected: yes.
Comment: Not observed at significant frequency in large population cohorts (gnomAD); In silico analysis supports that this missense variant has a deleterious effect on protein structure/function; Has not been previously published as pathogenic or benign to our knowledge

NM_000163.5(GHR):c.1280A>T (p.Asp427Val)

Gene: GHR (growth hormone receptor; plus strand). Cytogenetic location: 5p12.
Variant type: single nucleotide variant.
Coding change: c.1280A>T on transcript NM_000163.5 (MANE Select); coding-DNA position 1280, A replaced by T.
Protein change: p.Asp427Val; replaces aspartic acid 427 with valine.
Molecular consequence: missense variant. On other transcripts: 3 prime UTR variant (1).
Genome position (GRCh38, 1-based): chr5:42,718,787, A>T. VCF-style: chr5-42718787-A-T. GRCh37 (hg19) VCF-style: chr5-42718889-A-T.
Other names: c.1301A>T, p.Asp434Val (NM_001242399.2); c.1280A>T, p.Asp427Val (NM_001242400.2, NM_001242401.4, NM_001242402.2 and 4 more transcripts); c.1214A>T, p.Asp405Val (NM_001242460.2); c.*322A>T (NM_001242462.1); short protein forms D405V, D427V, D434V.
Identifiers: ClinVar variation 3773993 (VCV003773993.1).
Genomic context (GRCh38, chr5:42,718,787, plus strand): 5'-GTACCTCAGAGGTTGCTCAGCCACAGAGGTTAAAAGGGGAAGCAGATCTCTTATGCCTTG[A>T]CCAGAAGAATCAAAATAACTCACCTTATCATGATGCTTGCCCTGCTACTCAGCAGCCCAG-3'
Protein context (NP_000154.1, residues 417-437): LKGEADLLCL[Asp427Val]QKNQNNSPYH